The following is an entry in ClinVar:

ClinVar aggregate classification (germline): Pathogenic (1 of 4 stars; one submission).

Conditions:
Spastic paraplegia. Identifiers: MedGen C0037772, HP:0001258.

Allele frequency attached by ClinVar (database versions not stated): gnomAD exomes below 0.00001.
gnomAD v4.1: 1 of 1,211,240 alleles (0.000083%); highest among the groups gnomAD compares: Non-Finnish European, 0.00011%; no homozygotes.

Submission:

Labcorp Genetics (formerly Invitae), Labcorp
Classification: Pathogenic for Spastic paraplegia. Last evaluated: 2023-01-07. Review status: criteria provided, single submitter. Criteria: Invitae Variant Classification Sherloc (09022015). Collection method: clinical testing. Allele origin: germline.
Comment: For these reasons, this variant has been classified as Pathogenic. This variant has not been reported in the literature in individuals affected with L1CAM-related conditions. This sequence change creates a premature translational stop signal (p.Gln189*) in the L1CAM gene. It is expected to result in an absent or disrupted protein product. Loss-of-function variants in L1CAM are known to be pathogenic (PMID: 19846429). This variant is not present in population databases (gnomAD no frequency).

Literature cited by the submitters: PubMed 19846429.

NM_001278116.2(L1CAM):c.565C>T (p.Gln189Ter)

Gene: L1CAM (L1 cell adhesion molecule; minus strand). Cytogenetic location: Xq28.
Variant type: single nucleotide variant.
Coding change: c.565C>T on transcript NM_001278116.2 (MANE Select); coding-DNA position 565, C replaced by T.
Protein change: p.Gln189Ter; replaces glutamine 189 with a stop codon.
Molecular consequence: nonsense.
Genome position (GRCh38, 1-based): chrX:153,870,919, G>A on the plus strand (C>T on the coding strand, the complement: L1CAM is on the minus strand). VCF-style: chrX-153870919-G-A. GRCh37 (hg19) VCF-style: chrX-153136374-G-A.
Other names: c.565C>T, p.Gln189Ter (NM_000425.5, NM_024003.3); c.550C>T, p.Gln184Ter (NM_001143963.2); short protein forms Q189*, Q184*.
Identifiers: ClinVar variation 2826824 (VCV002826824.3), dbSNP rs2521024495, ClinGen allele CA415135761.
Genomic context (GRCh38, chrX:153,870,919, plus strand): 5'-AGATGTAGTCTGAGTGGTTGTCGGAGGTGAGCACATTGGCAAAGTAGAGGTTGCCGTTCT[G>A]GCCCATCGTCACCCGCTCGTCCTGCTTGATGTGCAAGATCTCTGCAGGGGGCAAGGAGGC-3'